The following is an entry in ClinVar:

ClinVar aggregate classification (germline): Uncertain significance. Review status: criteria provided, multiple submitters, no conflicts (2 of 4 stars). 2 submissions from 2 submitters: Uncertain significance (2). Last evaluated 2021-10-18.

Conditions:
Myopathy, myofibrillar, 9, with early respiratory failure (MFM9). Also called: EDSTROM MYOPATHY; MYOPATHY, PROXIMAL, WITH EARLY RESPIRATORY MUSCLE INVOLVEMENT; Myopathy, distal, with early respiratory failure, autosomal dominant; Hereditary myopathy with early respiratory failure. Identifiers: Orphanet 178464, Orphanet 34521, MedGen C1863599, MONDO:0011362, OMIM 603689.
Early-onset myopathy with fatal cardiomyopathy (CMYO5). Also called: CONGENITAL MYOPATHY 5 WITH CARDIOMYOPATHY; Salih Myopathy. Identifiers: Orphanet 289377, MedGen C2673677, MONDO:0012714, OMIM 611705. Disease mechanism: loss of function.
Hypertrophic cardiomyopathy 9. Also called: Familial hypertrophic cardiomyopathy 9. Identifiers: MedGen C1861065, MONDO:0013412, OMIM 613765.
Dilated cardiomyopathy 1G (CMD1G). Identifiers: Orphanet 154, MedGen C1858763, MONDO:0011400, OMIM 604145.
Tibial muscular dystrophy (TMD). Also called: UDD MYOPATHY; Tibial muscular dystrophy, tardive; Udd Distal Myopathy – Tibial Muscular Dystrophy. Identifiers: Orphanet 609, MedGen C1838244, MONDO:0010870, OMIM 600334.
Autosomal recessive limb-girdle muscular dystrophy type 2J (LGMDR10). Also called: MUSCULAR DYSTROPHY, LIMB-GIRDLE, AUTOSOMAL RECESSIVE 10; Limb-girdle muscular dystrophy, type 2J. Identifiers: Orphanet 140922, MedGen C1837342, MONDO:0012127, OMIM 608807.

Allele frequency attached by ClinVar (database versions not stated): gnomAD 0.00001; ExAC 0.00002; gnomAD exomes 0.00002.
gnomAD v4.1: 29 of 1,612,920 alleles (0.0018%); highest among the groups gnomAD compares: Middle Eastern, 0.049%; no homozygotes.

Submissions (2):

Fulgent Genetics
Classification: Uncertain significance for Tibial muscular dystrophy; Myopathy, myofibrillar, 9, with early respiratory failure; Dilated cardiomyopathy 1G; Autosomal recessive limb-girdle muscular dystrophy type 2J; Early-onset myopathy with fatal cardiomyopathy; Hypertrophic cardiomyopathy 9. Last evaluated: 2021-10-18. Review status: criteria provided, single submitter. Criteria: ACMG Guidelines, 2015. Collection method: clinical testing. Allele origin: unknown.

Biesecker Lab/Clinical Genomics Section, National Institutes of Health
Classification: Uncertain significance. Last evaluated: 2013-06-24. Review status: criteria provided, single submitter. Criteria: Ng et al. (Circ Cardiovasc Genet. 2013). Collection method: research. Allele origin: unknown. Observed: 1 variant allele. Study: ClinSeq.
Comment: The study set was not selected for affection status in relation to any cancer. Pathogenicity categories were based on literature curation. See Pubmed ID:23861362 for details.

Medical sequencing

NM_001267550.2(TTN):c.27619T>G (p.Phe9207Val)

Gene: TTN (titin; minus strand). Cytogenetic location: 2q31.2.
Variant type: single nucleotide variant.
Coding change: c.27619T>G on transcript NM_001267550.2 (MANE Select); coding-DNA position 27619, T replaced by G.
Protein change: p.Phe9207Val; replaces phenylalanine 9207 with valine.
Molecular consequence: missense variant. On other transcripts: intron variant (3).
Genome position (GRCh38, 1-based): chr2:178,712,211, A>C on the plus strand (T>G on the coding strand, the complement: TTN is on the minus strand). VCF-style: chr2-178712211-A-C. GRCh37 (hg19) VCF-style: chr2-179576938-A-C.
Other names: c.26668T>G, p.Phe8890Val (NM_001256850.1); c.23887T>G, p.Phe7963Val (NM_133378.4); c.13282+25871T>G (NM_003319.4); c.13858+25871T>G (NM_133437.4); c.13657+25871T>G (NM_133432.3); short protein forms F7963V, F9207V, F8890V.
Identifiers: ClinVar variation 192005 (VCV000192005.2), dbSNP rs765453217, ClinGen allele CA238081.